The following is an entry in ClinVar:

ClinVar aggregate classification (germline): Uncertain significance. Review status: criteria provided, multiple submitters, no conflicts (2 of 4 stars). 3 submissions from 3 submitters: Uncertain significance (2). 1 of the submissions does not count toward it. Last evaluated 2024-02-15.

Conditions:
Deficiency of guanidinoacetate methyltransferase (CCDS2). Also called: GAMT DEFICIENCY; Guanidinoacetate Methyltransferase (GAMT) Deficiency; CEREBRAL CREATINE DEFICIENCY SYNDROME 2. Identifiers: Orphanet 382, MedGen C0574080, MONDO:0012999, OMIM 612736.
Cerebral creatine deficiency syndrome. Also called: Creatine deficiency syndromes. Identifiers: Orphanet 79172, MedGen C5244016, MONDO:0000456.

Allele frequency attached by ClinVar (database versions not stated): 1000 Genomes Project 30x 0.00062; ExAC 0.00027; 1000 Genomes Project 0.00080; gnomAD below 0.00001 and 0.00007; gnomAD exomes 0.00006 and 0.00012.

Submissions (3):

GeneDx
Classification: Uncertain significance. Last evaluated: 2024-02-15. Review status: criteria provided, single submitter. Criteria: GeneDx Variant Classification Process June 2021. Collection method: clinical testing. Allele origin: germline. Affected: yes.
Comment: In silico analysis supports that this missense variant has a deleterious effect on protein structure/function; Has not been previously published as pathogenic or benign to our knowledge

Labcorp Genetics (formerly Invitae), Labcorp
Classification: Uncertain significance for Cerebral creatine deficiency syndrome. Last evaluated: 2022-06-08. Review status: criteria provided, single submitter. Criteria: Invitae Variant Classification Sherloc (09022015). Collection method: clinical testing. Allele origin: germline.
Comment: This sequence change replaces methionine, which is neutral and non-polar, with valine, which is neutral and non-polar, at codon 42 of the GAMT protein (p.Met42Val). This variant is present in population databases (rs536055494, gnomAD 0.08%). This variant has not been reported in the literature in individuals affected with GAMT-related conditions. ClinVar contains an entry for this variant (Variation ID: 205601). Algorithms developed to predict the effect of missense changes on protein structure and function are either unavailable or do not agree on the potential impact of this missense change (SIFT: "Deleterious"; PolyPhen-2: "Probably Damaging"; Align-GVGD: "Class C0"). In summary, the available evidence is currently insufficient to determine the role of this variant in disease. Therefore, it has been classified as a Variant of Uncertain Significance.

Natera, Inc.
Classification: Uncertain significance for Guanidinoacetate methyltransferase deficiency. Last evaluated: 2019-10-28. Review status: no assertion criteria provided. Collection method: clinical testing. Allele origin: germline. Not counted in ClinVar's aggregate classification.

NM_000156.6(GAMT):c.124A>G (p.Met42Val)

Genes: GAMT (guanidinoacetate N-methyltransferase; minus strand), LOC130062945 (ATAC-STARR-seq lymphoblastoid silent region 9707; plus strand). Cytogenetic location: 19p13.3.
Variant type: single nucleotide variant.
Coding change: c.124A>G on transcript NM_000156.6 (MANE Select); coding-DNA position 124, A replaced by G.
Protein change: p.Met42Val; replaces methionine 42 with valine.
Molecular consequence: missense variant.
Genome position (GRCh38, 1-based): chr19:1,401,353, T>C on the plus strand (A>G on the coding strand, the complement: GAMT is on the minus strand). VCF-style: chr19-1401353-T-C. GRCh37 (hg19) VCF-style: chr19-1401352-T-C.
Other names: p.M42V:ATG>GTG; c.124A>G, p.Met42Val (NM_138924.3); short protein forms M42V.
Identifiers: ClinVar variation 205601 (VCV000205601.6), dbSNP rs536055494, ClinGen allele CA314846.